The following is an entry in ClinVar:

ClinVar aggregate classification (germline): Uncertain significance. Review status: criteria provided, multiple submitters, no conflicts (2 of 4 stars). 2 submissions from 2 submitters: Uncertain significance (2). Last evaluated 2023-05-03.

Allele frequency attached by ClinVar (database versions not stated): gnomAD exomes 0.00001.
gnomAD v4.1: 21 of 1,446,656 alleles (0.0015%); highest among the groups gnomAD compares: African/African-American, 0.003%; no homozygotes.

Submissions (2):

Blueprint Genetics
Classification: Uncertain significance. Last evaluated: 2023-05-03. Review status: criteria provided, single submitter. Criteria: ACMG Guidelines, 2015. Collection method: clinical testing. Allele origin: germline.

Labcorp Genetics (formerly Invitae), Labcorp
Classification: Uncertain significance. Last evaluated: 2022-01-12. Review status: criteria provided, single submitter. Criteria: Invitae Variant Classification Sherloc (09022015). Collection method: clinical testing. Allele origin: germline.
Comment: This sequence change replaces arginine, which is basic and polar, with cysteine, which is neutral and slightly polar, at codon 965 of the CRB2 protein (p.Arg965Cys). This variant is not present in population databases (gnomAD no frequency). This variant has not been reported in the literature in individuals affected with CRB2-related conditions. Advanced modeling of protein sequence and biophysical properties (such as structural, functional, and spatial information, amino acid conservation, physicochemical variation, residue mobility, and thermodynamic stability) performed at Invitae indicates that this missense variant is not expected to disrupt CRB2 protein function. In summary, the available evidence is currently insufficient to determine the role of this variant in disease. Therefore, it has been classified as a Variant of Uncertain Significance.

NM_173689.7(CRB2):c.2893C>T (p.Arg965Cys)

Gene: CRB2 (crumbs cell polarity complex component 2; plus strand). Cytogenetic location: 9q33.3.
Variant type: single nucleotide variant.
Coding change: c.2893C>T on transcript NM_173689.7 (MANE Select); coding-DNA position 2893, C replaced by T.
Protein change: p.Arg965Cys; replaces arginine 965 with cysteine.
Molecular consequence: missense variant. On other transcripts: non-coding transcript variant (1).
Genome position (GRCh38, 1-based): chr9:123,373,424, C>T. VCF-style: chr9-123373424-C-T. GRCh37 (hg19) VCF-style: chr9-126135703-C-T.
Other names: short protein forms R965C.
Identifiers: ClinVar variation 1408772 (VCV001408772.4), dbSNP rs2042047960, ClinGen allele CA374867636.